The following is an entry in ClinVar:

NM_031418.4(ANO3):c.2301C>G (p.Ile767Met)

Gene: ANO3 (anoctamin 3; plus strand). Cytogenetic location: 11p14.2.
Variant type: single nucleotide variant.
Coding change: c.2301C>G on transcript NM_031418.4 (MANE Select); coding-DNA position 2301, C replaced by G.
Protein change: p.Ile767Met; replaces isoleucine 767 with methionine.
Molecular consequence: missense variant.
Genome position (GRCh38, 1-based): chr11:26,643,207, C>G. VCF-style: chr11-26643207-C-G. GRCh37 (hg19) VCF-style: chr11-26664754-C-G.
Other names: c.2484C>G, p.Ile828Met (NM_001313726.2); c.1863C>G, p.Ile621Met (NM_001313727.2); short protein forms I621M, I828M, I767M.
Identifiers: ClinVar variation 645760 (VCV000645760.10), dbSNP rs1590669609, ClinGen allele CA379938795.
Genomic context (GRCh38, chr11:26,643,207, plus strand): 5'-TTATATAGTAATTTCCTAATGCTCTTCTTTTGCAGTTTTGCAATTTGGTTTTACCACCAT[C>G]TTTGTTGCGGCTTTTCCTCTAGCCCCTCTTTTGGCTTTGTTAAACAATATCATTGAAATC-3'
Protein context (NP_113606.2, residues 757-777): EMVLQFGFTT[Ile767Met]FVAAFPLAPL

ClinVar aggregate classification (germline): Uncertain significance. Review status: criteria provided, multiple submitters, no conflicts (2 of 4 stars). 3 submissions from 3 submitters: Uncertain significance (3). Last evaluated 2025-05-17.

Conditions:
Dystonic disorder. Also called: Dystonia. Identifiers: MedGen C0013421, MONDO:0003441, HP:0001332.
Dystonia 24 (DYT24). Also called: DYT-ANO3. Identifiers: Orphanet 420485, MedGen C3554374, MONDO:0014019, OMIM 615034.

Submissions (3):

3billion
Classification: Uncertain significance for Dystonia 24. Last evaluated: 2025-05-17. Review status: criteria provided, single submitter. Criteria: ACMG Guidelines, 2015. Collection method: clinical testing. Allele origin: germline. Affected: yes.
Comment: The variant is not observed in the gnomAD v4.1.0 dataset. Predicted Consequence/Location: Missense variant. Missense changes are a common disease-causing mechanism. In silico tool predictions suggest damaging effect of the variant on gene or gene product [REVEL: 0.43 (>=0.6, sensitivity 0.68 and specificity 0.92); 3Cnet: 0.90 (> 0.75, sensitivity 0.96 and precision 0.92)]. The variant has been reported as of uncertain significance (ClinVar ID: VCV000645760). Therefore, this variant is classified as VUS according to the recommendation of ACMG/AMP guideline.

GeneDx
Classification: Uncertain significance. Last evaluated: 2024-03-04. Review status: criteria provided, single submitter. Criteria: GeneDx Variant Classification Process June 2021. Collection method: clinical testing. Allele origin: germline. Affected: yes.
Comment: Not observed at significant frequency in large population cohorts (gnomAD); In silico analysis supports that this missense variant does not alter protein structure/function; Has not been previously published as pathogenic or benign to our knowledge.

Labcorp Genetics (formerly Invitae), Labcorp
Classification: Uncertain significance for Dystonic disorder. Last evaluated: 2018-12-24. Review status: criteria provided, single submitter. Criteria: Invitae Variant Classification Sherloc (09022015). Collection method: clinical testing. Allele origin: germline.
Comment: This sequence change replaces isoleucine with methionine at codon 767 of the ANO3 protein (p.Ile767Met). The isoleucine residue is moderately conserved and there is a small physicochemical difference between isoleucine and methionine. This variant is not present in population databases (ExAC no frequency). This variant has not been reported in the literature in individuals with ANO3-related conditions. Algorithms developed to predict the effect of missense changes on protein structure and function are either unavailable or do not agree on the potential impact of this missense change (SIFT: "Tolerated"; PolyPhen-2: "Probably Damaging"; Align-GVGD: "Class C0"). In summary, the available evidence is currently insufficient to determine the role of this variant in disease. Therefore, it has been classified as a Variant of Uncertain Significance.